The following is an entry in ClinVar:

ClinVar aggregate classification (germline): Uncertain significance (1 of 4 stars; one submission).

gnomAD v4.1: 2 of 1,578,384 alleles (0.00013%); highest among the groups gnomAD compares: Admixed American, 0.0018%; no homozygotes.

Submission:

Women's Health and Genetics/Laboratory Corporation of America, LabCorp
Classification: Uncertain significance. Last evaluated: 2024-10-08. Review status: criteria provided, single submitter. Criteria: LabCorp Variant Classification Summary - May 2015. Collection method: clinical testing. Allele origin: germline.
Comment: Variant summary: WAC c.78+8C>T alters a non-conserved nucleotide located close to a canonical splice site and therefore could affect mRNA splicing, leading to a significantly altered protein sequence. Consensus agreement among computation tools predict no significant impact on normal splicing. However, these predictions have yet to be confirmed by functional studies. The frequency data for this variant in gnomAD is considered unreliable, as metrics indicate poor data quality at this position. To our knowledge, no occurrence of c.78+8C>T in individuals affected with Desanto-Shinawi Syndrome and no experimental evidence demonstrating its impact on protein function have been reported. No submitters have cited clinical-significance assessments for this variant to ClinVar. Based on the evidence outlined above, the variant was classified as uncertain significance.

NM_016628.5(WAC):c.78+8C>T

Genes: WAC (WW domain containing adaptor with coiled-coil; plus strand), LOC130003576 (ATAC-STARR-seq lymphoblastoid silent region 2255; plus strand). Cytogenetic location: 10p12.1.
Variant type: single nucleotide variant.
Coding change: c.78+8C>T on transcript NM_016628.5 (MANE Select); 8 bases into the intron after coding-DNA position 78, C replaced by T.
Molecular consequence: intron variant.
Genome position (GRCh38, 1-based): chr10:28,534,042, C>T. VCF-style: chr10-28534042-C-T. GRCh37 (hg19) VCF-style: chr10-28822971-C-T.
Other names: c.-58+8C>T (NM_100264.3); c.78+8C>T (NM_100486.4).
Identifiers: ClinVar variation 3384853 (VCV003384853.1).
Genomic context (GRCh38, chr10:28,534,042, plus strand): 5'-TCTTCCTGTTTTTCAGCTGTCACGACCGGAGGGGGGACTCGCAGCCTTACCAGGTACCAG[C>T]CGAGGCCGGGGTGGAGGGATTGGAAGGGGCCGGAGGGGGAAGGGAGGGACTGCTACTCGA-3'